The following is an entry in ClinVar:

NM_000338.3(SLC12A1):c.2978del (p.Glu993fs)

Gene: SLC12A1 (solute carrier family 12 member 1; plus strand). Cytogenetic location: 15q21.1.
Variant type: Deletion.
Coding change: c.2978del on transcript NM_000338.3 (MANE Select); coding-DNA position 2978, one base deleted (A; older notation c.2978delA).
Protein change: p.Glu993fs; shifts the reading frame from glutamic acid 993.
Molecular consequence: frameshift variant.
Genome position (GRCh38, 1-based): chr15:48,299,157, A deleted. VCF-style (leftmost placement, unchanged base first): chr15-48299156-GA-G. GRCh37 (hg19) VCF-style: chr15-48591353-GA-G.
Other names: c.2978del, p.Glu993fs (NM_001184832.2); short protein forms E993fs.
Identifiers: ClinVar variation 586600 (VCV000586600.3), dbSNP rs1566861493, ClinGen allele CA490017237.

ClinVar aggregate classification (germline): Pathogenic/Likely pathogenic. Review status: criteria provided, multiple submitters, no conflicts (2 of 4 stars). 2 submissions from 2 submitters: Pathogenic (1); Likely pathogenic (1). Last evaluated 2025-04-09.

Submissions (2):

Labcorp Genetics (formerly Invitae), Labcorp
Classification: Pathogenic. Last evaluated: 2025-04-09. Review status: criteria provided, single submitter. Criteria: Invitae Variant Classification Sherloc (09022015). Collection method: clinical testing. Allele origin: germline.
Comment: This sequence change creates a premature translational stop signal (p.Glu993Glyfs*2) in the SLC12A1 gene. It is expected to result in an absent or disrupted protein product. Loss-of-function variants in SLC12A1 are known to be pathogenic (PMID: 8640224, 9585600, 19096086). This variant is not present in population databases (gnomAD no frequency). This variant has not been reported in the literature in individuals affected with SLC12A1-related conditions. ClinVar contains an entry for this variant (Variation ID: 586600). For these reasons, this variant has been classified as Pathogenic.

Athena Diagnostics
Classification: Likely pathogenic. Last evaluated: 2020-07-10. Review status: criteria provided, single submitter. Criteria: Athena Diagnostics Criteria. Collection method: clinical testing. Allele origin: unknown.
Comment: The variant results in a shift of the reading frame, and is therefore predicted to result in the loss of a functional protein. Not found in the total gnomAD dataset, and the data is high quality.

Literature cited by the submitters: PubMed 8640224 (cited by Labcorp Genetics (formerly Invitae), Labcorp); PubMed 9585600 (cited by Labcorp Genetics (formerly Invitae), Labcorp); PubMed 19096086 (cited by Labcorp Genetics (formerly Invitae), Labcorp).